The following is an entry in ClinVar:

NM_003924.4(PHOX2B):c.725C>A (p.Ala242Glu)

Genes: PHOX2B (paired like homeobox 2B; minus strand), LOC110011216 (paired like homeobox 2b polyalanine repeat instability region; plus strand). Cytogenetic location: 4p13.
Variant type: single nucleotide variant.
Coding change: c.725C>A on transcript NM_003924.4 (MANE Select); coding-DNA position 725, C replaced by A.
Protein change: p.Ala242Glu; replaces alanine 242 with glutamic acid.
Molecular consequence: missense variant.
Genome position (GRCh38, 1-based): chr4:41,746,027, G>T on the plus strand (C>A on the coding strand, the complement: PHOX2B is on the minus strand). VCF-style: chr4-41746027-G-T. GRCh37 (hg19) VCF-style: chr4-41748044-G-T.
Other names: short protein forms A242E.
Identifiers: ClinVar variation 5026597 (VCV005026597.1).
Genomic context (GRCh38, chr4:41,746,027, plus strand): 5'-CCTCCAGCTGCCGCCGCTGCCGCTGCCGCCGCCGCCGCTGCCGCGGCCGCCGCCGCTGCT[G>T]CTGCGCCGCCCTTGCCGGGTTCGCCTCCCGGGCCCCCGGGCCCCGCCGCCCCCGGAGCTC-3'
Protein context (NP_003915.2, residues 232-252): PGGEPGKGGA[Ala242Glu]AAAAAAAAAA

ClinVar aggregate classification (germline): Uncertain significance (1 of 4 stars; one submission).

Conditions:
Hereditary cancer-predisposing syndrome. Also called: Neoplastic Syndromes, Hereditary; Tumor predisposition; Hereditary neoplastic syndrome; Hereditary Cancer Syndrome. Identifiers: Orphanet 140162, MedGen C0027672, MeSH D009386, MONDO:0015356.

Submission:

Ambry Genetics
Classification: Uncertain significance for Hereditary cancer-predisposing syndrome. Last evaluated: 2026-07-07. Review status: criteria provided, single submitter. Criteria: Ambry Variant Classification Scheme 2023. Collection method: clinical testing. Allele origin: germline.
Comment: The p.A242E variant (also known as c.725C>A), located in coding exon 3 of the PHOX2B gene, results from a C to A substitution at nucleotide position 725. The alanine at codon 242 is replaced by glutamic acid, an amino acid with dissimilar properties. This amino acid position is conserved. In addition, this alteration is predicted to be tolerated by in silico analysis. Based on the available evidence, the clinical significance of this variant remains unclear.